The following is an entry in ClinVar:

ClinVar aggregate classification (germline): Uncertain significance (1 of 4 stars; one submission).

Allele frequency attached by ClinVar (database versions not stated): gnomAD 0.00001; ExAC 0.00002; gnomAD exomes 0.00002; TOPMed 0.00002.

Submission:

Labcorp Genetics (formerly Invitae), Labcorp
Classification: Uncertain significance. Last evaluated: 2024-08-21. Review status: criteria provided, single submitter. Criteria: Invitae Variant Classification Sherloc (09022015). Collection method: clinical testing. Allele origin: germline.
Comment: This sequence change replaces arginine, which is basic and polar, with tryptophan, which is neutral and slightly polar, at codon 404 of the ANXA11 protein (p.Arg404Trp). This variant is present in population databases (rs745864099, gnomAD 0.004%). This variant has not been reported in the literature in individuals affected with ANXA11-related conditions. An algorithm developed to predict the effect of missense changes on protein structure and function (PolyPhen-2) suggests that this variant is likely to be disruptive. In summary, the available evidence is currently insufficient to determine the role of this variant in disease. Therefore, it has been classified as a Variant of Uncertain Significance.

NM_145868.2(ANXA11):c.1210C>T (p.Arg404Trp)

Genes: ANXA11 (annexin A11; minus strand), LOC126860977 (CDK7 strongly-dependent group 2 enhancer GRCh37_chr10:81917938-81919137; plus strand). Cytogenetic location: 10q22.3.
Variant type: single nucleotide variant.
Coding change: c.1210C>T on transcript NM_145868.2 (MANE Select); coding-DNA position 1210, C replaced by T.
Protein change: p.Arg404Trp; replaces arginine 404 with tryptophan.
Molecular consequence: missense variant.
Genome position (GRCh38, 1-based): chr10:80,159,166, G>A on the plus strand (C>T on the coding strand, the complement: ANXA11 is on the minus strand). VCF-style: chr10-80159166-G-A. GRCh37 (hg19) VCF-style: chr10-81918922-G-A.
Other names: c.1210C>T, p.Arg404Trp (NM_001157.3, NM_001278407.2, NM_001278408.2 and 1 more transcripts); c.1111C>T, p.Arg371Trp (NM_001278409.2); short protein forms R404W, R371W.
Identifiers: ClinVar variation 2985337 (VCV002985337.3), dbSNP rs745864099, ClinGen allele CA5575867.